The following is an entry in ClinVar:

NM_001042492.3(NF1):c.1119G>A (p.Val373=)

Gene: NF1 (neurofibromin 1; plus strand). Cytogenetic location: 17q11.2.
Variant type: single nucleotide variant.
Coding change: c.1119G>A on transcript NM_001042492.3 (MANE Select); coding-DNA position 1119, G replaced by A.
Protein change: p.Val373=; no amino-acid change (valine 373 retained).
Molecular consequence: synonymous variant.
Genome position (GRCh38, 1-based): chr17:31,201,093, G>A. VCF-style: chr17-31201093-G-A. GRCh37 (hg19) VCF-style: chr17-29528111-G-A.
Other names: c.1119G>A, p.Val373= (NM_000267.4, NM_001128147.3).
Identifiers: ClinVar variation 2479180 (VCV002479180.3), dbSNP rs2143879361, ClinGen allele CA499219530.

ClinVar aggregate classification (germline): Benign/Likely benign. Review status: criteria provided, multiple submitters, no conflicts (2 of 4 stars). 2 submissions from 2 submitters: Benign (1); Likely benign (1). Last evaluated 2026-09-23.

Conditions:
Neurofibromatosis, type 1 (NF1). Also called: VON RECKLINGHAUSEN DISEASE; Neurofibromatosis, type I; NEUROFIBROMATOSIS, TYPE I, SOMATIC; Peripheral type neurofibromatosis. Identifiers: Orphanet 636, MedGen C0027831, MONDO:0018975, OMIM 162200. Disease mechanism: loss of function.
Cardiovascular phenotype. Identifiers: MedGen CN230736.
Hereditary cancer-predisposing syndrome. Also called: Neoplastic Syndromes, Hereditary; Tumor predisposition; Hereditary Cancer Syndrome; Hereditary neoplastic syndrome. Identifiers: Orphanet 140162, MedGen C0027672, MeSH D009386, MONDO:0015356.

Submissions (2):

Myriad Genetics, Inc.
Classification: Benign for Neurofibromatosis, type 1. Last evaluated: 2026-09-23. Review status: criteria provided, single submitter. Criteria: Myriad Autosomal Dominant, Autosomal Recessive and X-Linked Classification Criteria (2023). Collection method: clinical testing. Allele origin: unknown.
Comment: This variant is considered benign. This variant is a silent/synonymous amino acid change and it is not expected to impact splicing.

Ambry Genetics
Classification: Likely benign for Cardiovascular phenotype; Hereditary cancer-predisposing syndrome. Last evaluated: 2023-01-05. Review status: criteria provided, single submitter. Criteria: Ambry Variant Classification Scheme 2023. Collection method: clinical testing. Allele origin: germline.